The following is an entry in ClinVar:

ClinVar aggregate classification (germline): Uncertain significance (1 of 4 stars; one submission).

Conditions:
Inborn genetic diseases. Identifiers: MedGen C0950123, MeSH D030342.

Submission:

Ambry Genetics
Classification: Uncertain significance for Inborn genetic diseases. Last evaluated: 2026-07-21. Review status: criteria provided, single submitter. Criteria: Ambry Variant Classification Scheme 2023. Collection method: clinical testing. Allele origin: germline.
Comment: The p.E340Q variant (also known as c.1018G>C), located in coding exon 6 of the WT1 gene, results from a G to C substitution at nucleotide position 1018. The glutamic acid at codon 340 is replaced by glutamine, an amino acid with highly similar properties. This amino acid position is well conserved in available vertebrate species. In addition, the in silico prediction for this alteration is inconclusive. Based on the available evidence, the clinical significance of this variant remains unclear.

NM_024426.6(WT1):c.1033G>C (p.Glu345Gln)

Gene: WT1 (WT1 transcription factor; minus strand). Cytogenetic location: 11p13.
Variant type: single nucleotide variant.
Coding change: c.1033G>C on transcript NM_024426.6 (MANE Select); coding-DNA position 1033, G replaced by C.
Protein change: p.Glu345Gln; replaces glutamic acid 345 with glutamine.
Molecular consequence: missense variant. On other transcripts: 5 prime UTR variant (1), non-coding transcript variant (2).
Genome position (GRCh38, 1-based): chr11:32,400,028, C>G on the plus strand (G>C on the coding strand, the complement: WT1 is on the minus strand). VCF-style: chr11-32400028-C-G. GRCh37 (hg19) VCF-style: chr11-32421574-C-G.
Other names: c.982G>C, p.Glu328Gln (NM_000378.6, NM_001407045.1, NM_001407048.1 and 1 more transcripts); c.382G>C, p.Glu128Gln (NM_001198551.2); c.331G>C, p.Glu111Gln (NM_001198552.2); c.-156G>C (NM_001367854.1); c.1027G>C, p.Glu343Gln (NM_001407044.1); c.1033G>C, p.Glu345Gln (NM_001407046.1, NM_024424.5); c.910G>C, p.Glu304Gln (NM_001407047.1); c.859G>C, p.Glu287Gln (NM_001407050.1); and 3 more; short protein forms E128Q, E272Q, E304Q, E91Q, E255Q, E340Q, E345Q, E111Q.
Identifiers: ClinVar variation 5032050 (VCV005032050.1).